The following is an entry in ClinVar:

ClinVar aggregate classification (germline): Uncertain significance (1 of 4 stars; one submission).

Submission:

Ambry Genetics
Classification: Uncertain significance. Last evaluated: 2023-09-05. Review status: criteria provided, single submitter. Criteria: Ambry Variant Classification Scheme 2023. Collection method: clinical testing. Allele origin: germline.
Comment: The p.E69Q variant (also known as c.205G>C), located in coding exon 1 of the TERF2IP gene, results from a G to C substitution at nucleotide position 205. The glutamic acid at codon 69 is replaced by glutamine, an amino acid with highly similar properties. This amino acid position is conserved. In addition, this alteration is predicted to be tolerated by in silico analysis. Since supporting evidence is limited at this time, the clinical significance of this alteration remains unclear.

NM_018975.4(TERF2IP):c.205G>C (p.Glu69Gln)

Gene: TERF2IP (TERF2 interacting protein; plus strand). Cytogenetic location: 16q23.1.
Variant type: single nucleotide variant.
Coding change: c.205G>C on transcript NM_018975.4 (MANE Select); coding-DNA position 205, G replaced by C.
Protein change: p.Glu69Gln; replaces glutamic acid 69 with glutamine.
Molecular consequence: missense variant. On other transcripts: non-coding transcript variant (1).
Genome position (GRCh38, 1-based): chr16:75,648,087, G>C. VCF-style: chr16-75648087-G-C. GRCh37 (hg19) VCF-style: chr16-75681985-G-C.
Other names: short protein forms E69Q.
Identifiers: ClinVar variation 1785205 (VCV001785205.3), dbSNP rs2507072992, ClinGen allele CA396817430.